The following is an entry in ClinVar:

NM_000784.4(CYP27A1):c.1582C>T (p.Gln528Ter)

Gene: CYP27A1 (cytochrome P450 family 27 subfamily A member 1; plus strand). Cytogenetic location: 2q35.
Variant type: single nucleotide variant.
Coding change: c.1582C>T on transcript NM_000784.4 (MANE Select); coding-DNA position 1582, C replaced by T.
Protein change: p.Gln528Ter; replaces glutamine 528 with a stop codon.
Molecular consequence: nonsense.
Genome position (GRCh38, 1-based): chr2:218,815,016, C>T. VCF-style: chr2-218815016-C-T. GRCh37 (hg19) VCF-style: chr2-219679739-C-T.
Other names: p.Gln528*; short protein forms Q528*.
Identifiers: ClinVar variation 550703 (VCV000550703.7), dbSNP rs376609492, ClinGen allele CA2112946.

ClinVar aggregate classification (germline): Uncertain significance. Review status: criteria provided, multiple submitters, no conflicts (2 of 4 stars). 5 submissions from 5 submitters: Uncertain significance (4). 1 of the submissions does not count toward it. Last evaluated 2026-05-01.

Conditions:
Cholestanol storage disease (CTX). Also called: Cerebrotendinous Xanthomatosis; CTX: Cerebrotendinous xanthomatosis; CEREBRAL CHOLESTERINOSIS. Identifiers: Orphanet 909, MedGen C0238052, MONDO:0008948, OMIM 213700.

Allele frequency attached by ClinVar (database versions not stated): ExAC 0.00002; gnomAD exomes 0.00002 and 0.00007; gnomAD 0.00003 and 0.00004; TOPMed 0.00003; ESP Exome Variant Server 0.00008.
gnomAD v4.1: 110 of 1,614,088 alleles (0.0068%); highest among the groups gnomAD compares: Non-Finnish European, 0.0089%; no homozygotes.

Submissions (5):

GeneDx
Classification: Uncertain significance. Last evaluated: 2026-05-01. Review status: criteria provided, single submitter. Criteria: GeneDx Variant Classification Process June 2021. Collection method: clinical testing. Allele origin: germline.
Comment: Nonsense variant predicted to result in protein truncation as the last 4 amino acid(s) are lost; Has not been previously published as pathogenic or benign to our knowledge; This variant is associated with the following publications: (PMID: 26643207)

Mayo Clinic Laboratories, Mayo Clinic
Classification: Uncertain significance. Last evaluated: 2025-04-29. Review status: criteria provided, single submitter. Criteria: ACMG Guidelines, 2015. Collection method: clinical testing. Allele origin: germline. Observed: 1 variant allele.
Comment: PM2_supporting, PVS1_moderate

Labcorp Genetics (formerly Invitae), Labcorp
Classification: Uncertain significance for Cholestanol storage disease. Last evaluated: 2022-06-13. Review status: criteria provided, single submitter. Criteria: Invitae Variant Classification Sherloc (09022015). Collection method: clinical testing. Allele origin: germline.
Comment: This sequence change creates a premature translational stop signal (p.Gln528*) in the CYP27A1 gene. While this is not anticipated to result in nonsense mediated decay, it is expected to disrupt the last 4 amino acid(s) of the CYP27A1 protein. This variant is present in population databases (rs376609492, gnomAD 0.006%). This variant has not been reported in the literature in individuals affected with CYP27A1-related conditions. ClinVar contains an entry for this variant (Variation ID: 550703). In summary, the available evidence is currently insufficient to determine the role of this variant in disease. Therefore, it has been classified as a Variant of Uncertain Significance.

Blueprint Genetics
Classification: Uncertain significance. Last evaluated: 2021-07-23. Review status: criteria provided, single submitter. Criteria: ACMG Guidelines, 2015. Collection method: clinical testing. Allele origin: germline.

Counsyl
Classification: Uncertain significance for Cholestanol storage disease. Last evaluated: 2017-02-09. Review status: no assertion criteria provided. Collection method: clinical testing. Allele origin: unknown. Not counted in ClinVar's aggregate classification.

Literature cited by the submitters: PubMed 26643207 (cited by Mayo Clinic Laboratories, Mayo Clinic and Counsyl).